The following is an entry in ClinVar:

ClinVar aggregate classification (germline): Uncertain significance. Review status: criteria provided, single submitter (1 of 4 stars). 2 submissions from 2 submitters: Uncertain significance (1). 1 of the submissions does not count toward it. Last evaluated 2022-07-29.

Conditions:
CYP7B1-related disorder. Also called: CYP7B1-related condition.
Spastic paraplegia. Identifiers: MedGen C0037772, HP:0001258.

Allele frequency attached by ClinVar (database versions not stated): gnomAD exomes below 0.00001.
gnomAD v4.1: 1 of 1,613,646 alleles (0.000062%); highest among the groups gnomAD compares: Admixed American, 0.0017%; no homozygotes.

Submissions (2):

Labcorp Genetics (formerly Invitae), Labcorp
Classification: Uncertain significance for Spastic paraplegia. Last evaluated: 2022-07-29. Review status: criteria provided, single submitter. Criteria: Invitae Variant Classification Sherloc (09022015). Collection method: clinical testing. Allele origin: germline.
Comment: This sequence change replaces glutamic acid, which is acidic and polar, with lysine, which is basic and polar, at codon 155 of the CYP7B1 protein (p.Glu155Lys). This variant is not present in population databases (gnomAD no frequency). This variant has not been reported in the literature in individuals affected with CYP7B1-related conditions. Algorithms developed to predict the effect of missense changes on protein structure and function are either unavailable or do not agree on the potential impact of this missense change (SIFT: "Deleterious"; PolyPhen-2: "Probably Damaging"; Align-GVGD: "Class C15"). In summary, the available evidence is currently insufficient to determine the role of this variant in disease. Therefore, it has been classified as a Variant of Uncertain Significance.

PreventionGenetics, part of Exact Sciences
Classification: Uncertain significance for CYP7B1-related condition. Last evaluated: 2024-07-10. Review status: no assertion criteria provided. Collection method: clinical testing. Allele origin: germline. Not counted in ClinVar's aggregate classification.
Comment: The CYP7B1 c.463G>A variant is predicted to result in the amino acid substitution p.Glu155Lys. To our knowledge, this variant has not been reported in the literature or in a large population database, indicating this variant is rare. At this time, the clinical significance of this variant is uncertain due to the absence of conclusive functional and genetic evidence.

NM_004820.5(CYP7B1):c.463G>A (p.Glu155Lys)

Gene: CYP7B1 (cytochrome P450 family 7 subfamily B member 1; minus strand). Cytogenetic location: 8q12.3.
Variant type: single nucleotide variant.
Coding change: c.463G>A on transcript NM_004820.5 (MANE Select); coding-DNA position 463, G replaced by A.
Protein change: p.Glu155Lys; replaces glutamic acid 155 with lysine.
Molecular consequence: missense variant.
Genome position (GRCh38, 1-based): chr8:64,616,078, C>T on the plus strand (G>A on the coding strand, the complement: CYP7B1 is on the minus strand). VCF-style: chr8-64616078-C-T. GRCh37 (hg19) VCF-style: chr8-65528635-C-T.
Other names: c.463G>A, p.Glu155Lys (NM_001324112.2); c.463G>A (NM_004820.4); short protein forms E155K.
Identifiers: ClinVar variation 2413965 (VCV002413965.4), dbSNP rs1805440999, ClinGen allele CA371335697.